The following is an entry in ClinVar:

ClinVar aggregate classification (germline): Pathogenic/Likely pathogenic. Review status: criteria provided, multiple submitters, no conflicts (2 of 4 stars). 5 submissions from 5 submitters: Pathogenic (1); Likely pathogenic (4). Last evaluated 2025-11-25.

Conditions:
PKHD1-related disorder. Also called: PKHD1-related condition.
Polycystic kidney disease 4 (PKD4). Also called: PKD3; Autosomal Recessive Polycystic Kidney Disease – PKHD1; POLYCYSTIC KIDNEY AND HEPATIC DISEASE 1; POLYCYSTIC KIDNEY DISEASE, INFANTILE, TYPE I; POLYCYSTIC KIDNEY DISEASE 4 WITH OR WITHOUT POLYCYSTIC LIVER DISEASE. Identifiers: MedGen C4540575, MONDO:0033004, OMIM 263200.
Autosomal recessive polycystic kidney disease (ARPKD). Also called: AR polycystic kidney disease. Identifiers: Orphanet 731, Orphanet 8378, MedGen C0085548, MeSH D017044, MONDO:0009889.

Allele frequency attached by ClinVar (database versions not stated): gnomAD exomes below 0.00001; ExAC 0.00001; TOPMed 0.00001.
gnomAD v4.1: 1 of 1,606,032 alleles (0.000062%); highest among the groups gnomAD compares: East Asian, 0.0022%; no homozygotes.

Submissions (5):

Natera, Inc.
Classification: Likely pathogenic for Autosomal recessive polycystic kidney disease. Last evaluated: 2025-11-25. Review status: criteria provided, single submitter. Criteria: Natera Variant Classification Schema (03/2026). Collection method: clinical testing. Allele origin: germline.
Comment: The c.778+1G>C variant in PKHD1 is a canonical splice donor site variant predicted to affect pre-mRNA splicing, which may result in an abnormal transcript and altered protein product. This variant is expected to result in nonsense mediated decay, truncation, or a dysfunctional protein product. This variant is rare in the general population with a frequency below the threshold expected for the associated phenotype(s). Given the available evidence, this variant is classified as Likely Pathogenic.

Fulgent Genetics
Classification: Likely pathogenic for Polycystic kidney disease 4. Last evaluated: 2024-01-30. Review status: criteria provided, single submitter. Criteria: ACMG Guidelines, 2015. Collection method: clinical testing. Allele origin: germline.

Baylor Genetics
Classification: Likely pathogenic for Polycystic kidney disease 4. Last evaluated: 2024-01-24. Review status: criteria provided, single submitter. Criteria: ACMG Guidelines, 2015. Collection method: clinical testing. Allele origin: unknown.

Labcorp Genetics (formerly Invitae), Labcorp
Classification: Likely pathogenic for Autosomal recessive polycystic kidney disease. Last evaluated: 2023-10-04. Review status: criteria provided, single submitter. Criteria: Invitae Variant Classification Sherloc (09022015). Collection method: clinical testing. Allele origin: germline.
Comment: This sequence change affects a donor splice site in intron 11 of the PKHD1 gene. It is expected to disrupt RNA splicing. Variants that disrupt the donor or acceptor splice site typically lead to a loss of protein function (PMID: 16199547), and loss-of-function variants in PKHD1 are known to be pathogenic (PMID: 19940839). This variant is present in population databases (rs753471298, gnomAD 0.006%). This variant has not been reported in the literature in individuals affected with PKHD1-related conditions. ClinVar contains an entry for this variant (Variation ID: 636879). Algorithms developed to predict the effect of sequence changes on RNA splicing suggest that this variant may disrupt the consensus splice site. In summary, the currently available evidence indicates that the variant is pathogenic, but additional data are needed to prove that conclusively. Therefore, this variant has been classified as Likely Pathogenic.

Blueprint Genetics
Classification: Pathogenic for PKHD1-related disorders. Last evaluated: 2019-11-11. Review status: criteria provided, single submitter. Criteria: ACMG Guidelines, 2015. Collection method: clinical testing. Allele origin: germline. Affected: yes. Observed: 4 variant alleles.

Literature cited by the submitters: PubMed 16199547 (cited by Labcorp Genetics (formerly Invitae), Labcorp); PubMed 19940839 (cited by Labcorp Genetics (formerly Invitae), Labcorp).

NM_138694.4(PKHD1):c.778+1G>C

Gene: PKHD1 (PKHD1 ciliary IPT domain containing fibrocystin/polyductin; minus strand). Cytogenetic location: 6p12.2.
Variant type: single nucleotide variant.
Coding change: c.778+1G>C on transcript NM_138694.4 (MANE Select); the canonical splice donor site of the intron after coding-DNA position 778, G replaced by C.
Molecular consequence: splice donor variant.
Genome position (GRCh38, 1-based): chr6:52,069,456, C>G on the plus strand (G>C on the coding strand, the complement: PKHD1 is on the minus strand). VCF-style: chr6-52069456-C-G. GRCh37 (hg19) VCF-style: chr6-51934254-C-G.
Other names: c.778+1G>C (NM_170724.3).
Identifiers: ClinVar variation 636879 (VCV000636879.19), dbSNP rs753471298, ClinGen allele CA3853780.
Genomic context (GRCh38, chr6:52,069,456, plus strand): 5'-AGGAGGGGCCAACATTGAGTGAGGCACAAGGGAAGGGGTACTTGGTGAAGGGGGATAGTA[C>G]CTGAGTGTGTCTGGTATAGGAAAAGATCCTGTTTAGCACTGATCAGCCATGCCTTCTTGT-3'